The following is an entry in ClinVar:

NM_015102.5(NPHP4):c.2818-20C>T

Gene: NPHP4 (nephrocystin 4; minus strand). Cytogenetic location: 1p36.31.
Variant type: single nucleotide variant.
Coding change: c.2818-20C>T on transcript NM_015102.5 (MANE Select); 20 bases into the intron before coding-DNA position 2818, C replaced by T.
Molecular consequence: intron variant.
Genome position (GRCh38, 1-based): chr1:5,875,120, G>A on the plus strand (C>T on the coding strand, the complement: NPHP4 is on the minus strand). VCF-style: chr1-5875120-G-A. GRCh37 (hg19) VCF-style: chr1-5935180-G-A.
Other names: c.1282-20C>T (NM_001291594.2); c.1279-20C>T (NM_001291593.2).
Identifiers: ClinVar variation 195612 (VCV000195612.10), dbSNP rs794727344, ClinGen allele CA242087.
Genomic context (GRCh38, chr1:5,875,120, plus strand): 5'-TGTAGGTCCCGCAAGTGCTGTGTGCGGACGCTCTGCTGCGCCTGCAGACAAGAGGACATG[G>A]GTGGACAGGGTCCCAGGCACACTCTCCTCCACAAGGGGCTATTGCTGGCTGCCCACCACC-3'

ClinVar aggregate classification (germline): Conflicting classifications of pathogenicity. Review status: criteria provided, conflicting classifications (1 of 4 stars). 3 submissions from 3 submitters: Uncertain significance (2); Likely benign (1). Last evaluated 2022-11-15.

Conditions:
Nephronophthisis. Also called: Juvenile Nephronophthisis. Identifiers: Orphanet 655, MedGen C0687120, MONDO:0019005, HP:0000090.

Allele frequency attached by ClinVar (database versions not stated): gnomAD exomes below 0.00001 and 0.00001; gnomAD 0.00003; TOPMed 0.00004.
gnomAD v4.1: 6 of 1,560,442 alleles (0.00038%); highest among the groups gnomAD compares: African/African-American, 0.0081%; no homozygotes.

Submissions (3):

Labcorp Genetics (formerly Invitae), Labcorp
Classification: Uncertain significance for Nephronophthisis. Last evaluated: 2022-11-15. Review status: criteria provided, single submitter. Criteria: Invitae Variant Classification Sherloc (09022015). Collection method: clinical testing. Allele origin: germline.
Comment: The frequency data for this variant in the population databases is considered unreliable, as metrics indicate poor data quality at this position in the gnomAD database. This sequence change falls in intron 20 of the NPHP4 gene. It does not directly change the encoded amino acid sequence of the NPHP4 protein. This variant has not been reported in the literature in individuals affected with NPHP4-related conditions. In summary, the available evidence is currently insufficient to determine the role of this variant in disease. Therefore, it has been classified as a Variant of Uncertain Significance. Algorithms developed to predict the effect of sequence changes on RNA splicing suggest that this variant may disrupt the consensus splice site. ClinVar contains an entry for this variant (Variation ID: 195612).

Blueprint Genetics
Classification: Likely benign. Last evaluated: 2019-08-01. Review status: criteria provided, single submitter. Criteria: ACMG Guidelines, 2015. Collection method: clinical testing. Allele origin: germline.

Eurofins Ntd Llc (ga)
Classification: Uncertain significance. Last evaluated: 2014-11-21. Review status: criteria provided, single submitter. Criteria: EGL Classification Definitions 2015. Collection method: clinical testing. Allele origin: germline. Observed: 1 variant allele, 1 heterozygote.